The following is an entry in ClinVar:

NM_013275.6(ANKRD11):c.5102C>G (p.Thr1701Ser)

Gene: ANKRD11 (ankyrin repeat domain containing 11; minus strand). Cytogenetic location: 16q24.3.
Variant type: single nucleotide variant.
Coding change: c.5102C>G on transcript NM_013275.6 (MANE Select); coding-DNA position 5102, C replaced by G.
Protein change: p.Thr1701Ser; replaces threonine 1701 with serine.
Molecular consequence: missense variant.
Genome position (GRCh38, 1-based): chr16:89,281,440, G>C on the plus strand (C>G on the coding strand, the complement: ANKRD11 is on the minus strand). VCF-style: chr16-89281440-G-C. GRCh37 (hg19) VCF-style: chr16-89347848-G-C.
Other names: c.5102C>G, p.Thr1701Ser (NM_001256182.2, NM_001256183.2); short protein forms T1701S.
Identifiers: ClinVar variation 1745360 (VCV001745360.2), dbSNP rs2034236820, ClinGen allele CA397155617.

ClinVar aggregate classification (germline): Uncertain significance (1 of 4 stars; one submission).

Conditions:
Inborn genetic diseases. Identifiers: MedGen C0950123, MeSH D030342.

Allele frequency attached by ClinVar (database versions not stated): gnomAD exomes below 0.00001.
gnomAD v4.1: 1 of 1,613,264 alleles (0.000062%); highest among the groups gnomAD compares: South Asian, 0.0011%; no homozygotes.

Submission:

Ambry Genetics
Classification: Uncertain significance for Inborn genetic diseases. Last evaluated: 2018-08-17. Review status: criteria provided, single submitter. Criteria: Ambry Variant Classification Scheme 2023. Collection method: clinical testing. Allele origin: germline.
Comment: The p.T1701S variant (also known as c.5102C>G), located in coding exon 7 of the ANKRD11 gene, results from a C to G substitution at nucleotide position 5102. The threonine at codon 1701 is replaced by serine, an amino acid with similar properties. This amino acid position is highly conserved in available vertebrate species. In addition, this alteration is predicted to be tolerated by in silico analysis. Since supporting evidence is limited at this time, the clinical significance of this alteration remains unclear.